The following is an entry in ClinVar:

NM_001128225.3(SLC39A13):c.286A>G (p.Met96Val)

Gene: SLC39A13 (solute carrier family 39 member 13; plus strand). Cytogenetic location: 11p11.2.
Variant type: single nucleotide variant.
Coding change: c.286A>G on transcript NM_001128225.3 (MANE Select); coding-DNA position 286, A replaced by G.
Protein change: p.Met96Val; replaces methionine 96 with valine.
Molecular consequence: missense variant. On other transcripts: non-coding transcript variant (1).
Genome position (GRCh38, 1-based): chr11:47,410,380, A>G. VCF-style: chr11-47410380-A-G. GRCh37 (hg19) VCF-style: chr11-47431931-A-G.
Other names: c.286A>G, p.Met96Val (NM_001330245.2, NM_152264.5); c.286A>G (NM_152264.4); short protein forms M96V.
Identifiers: ClinVar variation 1379051 (VCV001379051.4), dbSNP rs895559794, ClinGen allele CA221687421.

ClinVar aggregate classification (germline): Uncertain significance. Review status: criteria provided, multiple submitters, no conflicts (2 of 4 stars). 2 submissions from 2 submitters: Uncertain significance (2). Last evaluated 2025-02-13.

Conditions:
Ehlers-Danlos syndrome, spondylodysplastic type, 3. Also called: Ehlers-Danlos syndrome, spondylocheirodysplastic type. Identifiers: Orphanet 157965, MedGen C2676510, MONDO:0012873, OMIM 612350.
Inborn genetic diseases. Identifiers: MedGen C0950123, MeSH D030342.

Allele frequency attached by ClinVar (database versions not stated): TOPMed 0.00001; gnomAD exomes below 0.00001; gnomAD 0.00002.
gnomAD v4.1: 5 of 1,613,610 alleles (0.00031%); highest among the groups gnomAD compares: Admixed American, 0.0017%; no homozygotes.

Submissions (2):

Ambry Genetics
Classification: Uncertain significance for Inborn genetic diseases. Last evaluated: 2025-02-13. Review status: criteria provided, single submitter. Criteria: Ambry Variant Classification Scheme 2023. Collection method: clinical testing. Allele origin: germline.

Labcorp Genetics (formerly Invitae), Labcorp
Classification: Uncertain significance for Ehlers-Danlos syndrome, spondylodysplastic type, 3. Last evaluated: 2021-09-29. Review status: criteria provided, single submitter. Criteria: Invitae Variant Classification Sherloc (09022015). Collection method: clinical testing. Allele origin: germline.
Comment: This sequence change replaces methionine with valine at codon 96 of the SLC39A13 protein (p.Met96Val). The methionine residue is weakly conserved and there is a small physicochemical difference between methionine and valine. This variant is not present in population databases (ExAC no frequency). This variant has not been reported in the literature in individuals affected with SLC39A13-related conditions. Algorithms developed to predict the effect of missense changes on protein structure and function output the following: SIFT: "Tolerated"; PolyPhen-2: "Benign"; Align-GVGD: "Class C0". The valine amino acid residue is found in multiple mammalian species, which suggests that this missense change does not adversely affect protein function. In summary, the available evidence is currently insufficient to determine the role of this variant in disease. Therefore, it has been classified as a Variant of Uncertain Significance.